The following is an entry in ClinVar:

ClinVar aggregate classification (germline): Uncertain significance (1 of 4 stars; one submission).

Conditions:
Hereditary nonpolyposis colorectal neoplasms. Identifiers: MedGen C0009405, MeSH D003123.

Submission:

Labcorp Genetics (formerly Invitae), Labcorp
Classification: Uncertain significance for Hereditary nonpolyposis colorectal neoplasms. Last evaluated: 2022-05-03. Review status: criteria provided, single submitter. Criteria: Invitae Variant Classification Sherloc (09022015). Collection method: clinical testing. Allele origin: germline.
Comment: This variant is not present in population databases (gnomAD no frequency). This sequence change replaces leucine, which is neutral and non-polar, with valine, which is neutral and non-polar, at codon 585 of the PMS2 protein (p.Leu585Val). This variant has not been reported in the literature in individuals affected with PMS2-related conditions. In summary, the available evidence is currently insufficient to determine the role of this variant in disease. Therefore, it has been classified as a Variant of Uncertain Significance. Advanced modeling of protein sequence and biophysical properties (such as structural, functional, and spatial information, amino acid conservation, physicochemical variation, residue mobility, and thermodynamic stability) performed at Invitae indicates that this missense variant is not expected to disrupt PMS2 protein function.

NM_000535.7(PMS2):c.1753C>G (p.Leu585Val)

Gene: PMS2 (PMS1 homolog 2, mismatch repair system component; minus strand). Cytogenetic location: 7p22.1.
Variant type: single nucleotide variant.
Coding change: c.1753C>G on transcript NM_000535.7 (MANE Select); coding-DNA position 1753, C replaced by G.
Protein change: p.Leu585Val; replaces leucine 585 with valine.
Molecular consequence: missense variant. On other transcripts: non-coding transcript variant (1).
Genome position (GRCh38, 1-based): chr7:5,987,012, G>C on the plus strand (C>G on the coding strand, the complement: PMS2 is on the minus strand). VCF-style: chr7-5987012-G-C. GRCh37 (hg19) VCF-style: chr7-6026643-G-C.
Other names: c.1753C>G, p.Leu585Val (NM_001406871.1, NM_001406872.1, NM_001322014.2); c.1555C>G, p.Leu519Val (NM_001406873.1); c.1585C>G, p.Leu529Val (NM_001406874.1); c.1444C>G, p.Leu482Val (NM_001406875.1, NM_001406877.1, NM_001406878.1 and 5 more transcripts); c.1435C>G, p.Leu479Val (NM_001406876.1, NM_001322007.2, NM_001322008.2 and 2 more transcripts); c.1348C>G, p.Leu450Val (NM_001406890.1, NM_001406891.1, NM_001406892.1 and 17 more transcripts); c.1597C>G, p.Leu533Val (NM_001322006.2, NM_001406870.1); c.1192C>G, p.Leu398Val (NM_001322010.2, NM_001406906.1, NM_001406907.1); and 12 more; short protein forms L414V, L473V, L479V, L482V, L549V, L274V, L328V, L450V.
Identifiers: ClinVar variation 2132959 (VCV002132959.4), dbSNP rs63750947, ClinGen allele CA366740026.